The following is an entry in ClinVar:

ClinVar aggregate classification (germline): Likely benign (0 of 4 stars; one submission).

Conditions:
PLXNA3-related disorder. Also called: PLXNA3-related condition.

Allele frequency attached by ClinVar (database versions not stated): gnomAD exomes below 0.00001; TOPMed 0.00002.
gnomAD v4.1: 2 of 1,191,213 alleles (0.00017%); highest among the groups gnomAD compares: Non-Finnish European, 0.00023%; no homozygotes.

Submission:

PreventionGenetics, part of Exact Sciences
Classification: Likely benign for PLXNA3-related condition. Last evaluated: 2022-05-03. Review status: no assertion criteria provided. Collection method: clinical testing. Allele origin: germline.
Comment: This variant is classified as likely benign based on ACMG/AMP sequence variant interpretation guidelines (Richards et al. 2015 PMID: 25741868, with internal and published modifications).

NM_017514.5(PLXNA3):c.3840G>A (p.Thr1280=)

Gene: PLXNA3 (plexin A3; plus strand). Cytogenetic location: Xq28.
Variant type: single nucleotide variant.
Coding change: c.3840G>A on transcript NM_017514.5 (MANE Select); coding-DNA position 3840, G replaced by A.
Protein change: p.Thr1280=; no amino-acid change (threonine 1280 retained).
Molecular consequence: synonymous variant.
Genome position (GRCh38, 1-based): chrX:154,468,101, G>A. VCF-style: chrX-154468101-G-A. GRCh37 (hg19) VCF-style: chrX-153696444-G-A.
Identifiers: ClinVar variation 3036384 (VCV003036384.2), dbSNP rs1261337185, ClinGen allele CA519712967.